The following is an entry in ClinVar:

NM_003737.4(DCHS1):c.2633C>T (p.Ala878Val)

Gene: DCHS1 (dachsous cadherin-related 1; minus strand). Cytogenetic location: 11p15.4.
Variant type: single nucleotide variant.
Coding change: c.2633C>T on transcript NM_003737.4 (MANE Select); coding-DNA position 2633, C replaced by T.
Protein change: p.Ala878Val; replaces alanine 878 with valine.
Molecular consequence: missense variant.
Genome position (GRCh38, 1-based): chr11:6,632,879, G>A on the plus strand (C>T on the coding strand, the complement: DCHS1 is on the minus strand). VCF-style: chr11-6632879-G-A. GRCh37 (hg19) VCF-style: chr11-6654110-G-A.
Other names: c.2633C>T (NM_003737.3); short protein forms A878V.
Identifiers: ClinVar variation 2769921 (VCV002769921.4), dbSNP rs1438963916, ClinGen allele CA379420203.

ClinVar aggregate classification (germline): Uncertain significance. Review status: criteria provided, multiple submitters, no conflicts (2 of 4 stars). 2 submissions from 2 submitters: Uncertain significance (2). Last evaluated 2024-05-16.

Allele frequency attached by ClinVar (database versions not stated): gnomAD exomes below 0.00001.
gnomAD v4.1: 1 of 1,614,052 alleles (0.000062%); highest among the groups gnomAD compares: Non-Finnish European, 0.000085%; no homozygotes.

Submissions (2):

GeneDx
Classification: Uncertain significance. Last evaluated: 2024-05-16. Review status: criteria provided, single submitter. Criteria: GeneDx Variant Classification Process June 2021. Collection method: clinical testing. Allele origin: germline. Affected: yes.
Comment: Not observed at significant frequency in large population cohorts (gnomAD); In silico analysis indicates that this missense variant does not alter protein structure/function; Has not been previously published as pathogenic or benign to our knowledge

Labcorp Genetics (formerly Invitae), Labcorp
Classification: Uncertain significance. Last evaluated: 2023-10-18. Review status: criteria provided, single submitter. Criteria: Invitae Variant Classification Sherloc (09022015). Collection method: clinical testing. Allele origin: germline.
Comment: This sequence change replaces alanine, which is neutral and non-polar, with valine, which is neutral and non-polar, at codon 878 of the DCHS1 protein (p.Ala878Val). This variant is present in population databases (no rsID available, gnomAD 0.0009%). This variant has not been reported in the literature in individuals affected with DCHS1-related conditions. Advanced modeling of protein sequence and biophysical properties (such as structural, functional, and spatial information, amino acid conservation, physicochemical variation, residue mobility, and thermodynamic stability) performed at Invitae indicates that this missense variant is not expected to disrupt DCHS1 protein function. In summary, the available evidence is currently insufficient to determine the role of this variant in disease. Therefore, it has been classified as a Variant of Uncertain Significance.